The following is an entry in ClinVar:

ClinVar aggregate classification (germline): Likely pathogenic (1 of 4 stars; one submission).

Conditions:
Cardiovascular phenotype. Identifiers: MedGen CN230736.

Submission:

Ambry Genetics
Classification: Likely pathogenic for Cardiovascular phenotype. Last evaluated: 2026-02-05. Review status: criteria provided, single submitter. Criteria: Ambry Variant Classification Scheme 2023. Collection method: clinical testing. Allele origin: germline.
Comment: The c.39019_39020delAT (p.M13007Dfs*10) alteration, located in exon 143 (coding exon 142) of the TTN gene, consists of a deletion of 2 nucleotides from position 39019 to 39020, causing a translational frameshift with a predicted alternate stop codon after 10 amino acids.This variant is expected to result in loss of function by premature protein truncation or nonsense-mediated mRNA decay. This variant was not reported in population-based cohorts in the Genome Aggregation Database (gnomAD). This exon is located in the A-band region of the N2-B isoform of the titin protein and is constitutively expressed in TTN transcripts (percent spliced in or PSI 100%). While truncating variants in TTN are present in 1-3% of the general population, truncating variants in the A-band are the most common cause of dilated cardiomyopathy (Herman, 2012; Roberts, 2015). TTN truncating variants encoded in constitutive exons (PSI >90%) have been found to be significantly associated with DCM regardless of their position in titin (Schafer, 2017; Akhtar, 2020; Massier, 2025). Based on the available evidence, this alteration is classified as likely pathogenic.

Literature cited by the submitters: PubMed 22335739; PubMed 25589632; PubMed 27869827; PubMed 32964742; PubMed 39844436.

NM_001267550.2(TTN):c.66214_66215del (p.Met22072fs)

Genes: TTN (titin; minus strand), TTN-AS1 (TTN antisense RNA 1; plus strand). Cytogenetic location: 2q31.2.
Variant type: Deletion.
Coding change: c.66214_66215del on transcript NM_001267550.2 (MANE Select); coding-DNA positions 66214 to 66215, 2 bases deleted (AT; older notation c.66214_66215delAT).
Protein change: p.Met22072fs; shifts the reading frame from methionine 22072.
Molecular consequence: frameshift variant.
Genome position (GRCh38, 1-based): chr2:178,582,154-178,582,155, AT deleted on the plus strand (AT on the coding strand, the reverse complement: TTN is on the minus strand). VCF-style (leftmost placement, unchanged base first): chr2-178582153-CAT-C. GRCh37 (hg19) VCF-style: chr2-179446880-CAT-C.
Other names: c.61291_61292del, p.Met20431fs (NM_001256850.1); c.39019_39020del, p.Met13007fs (NM_003319.4); c.58510_58511del, p.Met19504fs (NM_133378.4); c.39394_39395del, p.Met13132fs (NM_133432.3); c.39595_39596del, p.Met13199fs (NM_133437.4); c.39019_39020delAT (NM_003319.4); short protein forms M19504fs, M22072fs, M13007fs, M13132fs, M13199fs, M20431fs.
Identifiers: ClinVar variation 4839811 (VCV004839811.1).